The following is an entry in ClinVar:

ClinVar aggregate classification (germline): Likely benign. Review status: criteria provided, single submitter (1 of 4 stars). 2 submissions from 2 submitters: Likely benign (1). 1 of the submissions does not count toward it. Last evaluated 2025-11-24.

Conditions:
Familial focal epilepsy with variable foci (FPEVF). Identifiers: Orphanet 98820, MedGen C1858477, MONDO:0020310.
DEPDC5-related disorder. Also called: DEPDC5-related condition; DEPDC5-related related disorder.

Allele frequency attached by ClinVar (database versions not stated): gnomAD exomes below 0.00001 and 0.00001.
gnomAD v4.1: 4 of 1,612,486 alleles (0.00025%); highest among the groups gnomAD compares: Non-Finnish European, 0.00034%; no homozygotes.

Submissions (2):

Labcorp Genetics (formerly Invitae), Labcorp
Classification: Likely benign for Familial focal epilepsy with variable foci. Last evaluated: 2025-11-24. Review status: criteria provided, single submitter. Criteria: Invitae Variant Classification Sherloc (09022015). Collection method: clinical testing. Allele origin: germline.

PreventionGenetics, part of Exact Sciences
Classification: Likely benign for DEPDC5-related condition. Last evaluated: 2021-02-17. Review status: no assertion criteria provided. Collection method: clinical testing. Allele origin: germline. Not counted in ClinVar's aggregate classification.
Comment: This variant is classified as likely benign based on ACMG/AMP sequence variant interpretation guidelines (Richards et al. 2015 PMID: 25741868, with internal and published modifications).

NM_001242896.3(DEPDC5):c.147-10T>G

Gene: DEPDC5 (DEP domain containing 5, GATOR1 subcomplex subunit; plus strand). Cytogenetic location: 22q12.2.
Variant type: single nucleotide variant.
Coding change: c.147-10T>G on transcript NM_001242896.3 (MANE Select); 10 bases into the intron before coding-DNA position 147, T replaced by G.
Molecular consequence: intron variant.
Genome position (GRCh38, 1-based): chr22:31,760,646, T>G. VCF-style: chr22-31760646-T-G. GRCh37 (hg19) VCF-style: chr22-32156632-T-G.
Other names: c.147-10T>G (NM_001364318.2, NM_001136029.4, NM_014662.6 and 10 more transcripts).
Identifiers: ClinVar variation 1641345 (VCV001641345.10), dbSNP rs1168103303, ClinGen allele CA639053381.